The following is an entry in ClinVar:

ClinVar aggregate classification (germline): Conflicting classifications of pathogenicity. Review status: criteria provided, conflicting classifications (1 of 4 stars). 7 submissions from 7 submitters: Uncertain significance (1); Likely benign (3). 3 of the submissions do not count toward it. Last evaluated 2026-01-28.

Conditions:
Glucose-6-phosphate transport defect (GSD1B). Also called: Glycogen Storage Disease Type Ib; GSD Ib. Identifiers: Orphanet 364, Orphanet 79259, MedGen C0268146, MONDO:0009288, OMIM 232220.
SLC37A4-related disorder. Also called: SLC37A4-related condition.
Inborn genetic diseases. Identifiers: MedGen C0950123, MeSH D030342.

Allele frequency attached by ClinVar (database versions not stated): ExAC 0.00018; gnomAD exomes 0.00022 and 0.00053; TOPMed 0.00030; gnomAD 0.00038 and 0.00041.

Submissions (7):

Labcorp Genetics (formerly Invitae), Labcorp
Classification: Likely benign for Glucose-6-phosphate transport defect. Last evaluated: 2026-01-28. Review status: criteria provided, single submitter. Criteria: Invitae Variant Classification Sherloc (09022015). Collection method: clinical testing. Allele origin: germline.

Blueprint Genetics
Classification: Likely benign. Last evaluated: 2024-11-18. Review status: criteria provided, single submitter. Criteria: ACMG Guidelines, 2015. Collection method: clinical testing. Allele origin: germline.

Ambry Genetics
Classification: Likely benign for Inborn genetic diseases. Last evaluated: 2023-02-02. Review status: criteria provided, single submitter. Criteria: Ambry Variant Classification Scheme 2023. Collection method: clinical testing. Allele origin: germline.

Eurofins Ntd Llc (ga)
Classification: Uncertain significance. Last evaluated: 2016-05-31. Review status: criteria provided, single submitter. Criteria: EGL Classification Definitions 2015. Collection method: clinical testing. Allele origin: germline. Observed: 1 variant allele, 1 heterozygote.

PreventionGenetics, part of Exact Sciences
Classification: Likely benign for SLC37A4-related condition. Last evaluated: 2024-09-17. Review status: no assertion criteria provided. Collection method: clinical testing. Allele origin: germline. Not counted in ClinVar's aggregate classification.
Comment: This variant is classified as likely benign based on ACMG/AMP sequence variant interpretation guidelines (Richards et al. 2015 PMID: 25741868, with internal and published modifications).

Clinical Genetics DNA and cytogenetics Diagnostics Lab, Erasmus MC, Erasmus Medical Center
Classification: Likely benign. Review status: no assertion criteria provided. Collection method: clinical testing. Allele origin: germline. Affected: yes. Study: VKGL Data-share Consensus. Not counted in ClinVar's aggregate classification.

Genome Diagnostics Laboratory, University Medical Center Utrecht
Classification: Likely benign. Review status: no assertion criteria provided. Collection method: clinical testing. Allele origin: germline. Affected: yes. Study: VKGL Data-share Consensus. Not counted in ClinVar's aggregate classification.

NM_001164277.2(SLC37A4):c.1240C>T (p.Leu414=)

Gene: SLC37A4 (solute carrier family 37 member 4; minus strand). Cytogenetic location: 11q23.3.
Variant type: single nucleotide variant.
Coding change: c.1240C>T on transcript NM_001164277.2 (MANE Select); coding-DNA position 1240, C replaced by T.
Protein change: p.Leu414=; no amino-acid change (leucine 414 retained).
Molecular consequence: synonymous variant.
Genome position (GRCh38, 1-based): chr11:119,024,960, G>A on the plus strand (C>T on the coding strand, the complement: SLC37A4 is on the minus strand). VCF-style: chr11-119024960-G-A. GRCh37 (hg19) VCF-style: chr11-118895670-G-A.
Other names: c.1306C>T, p.Leu436= (NM_001164278.2); c.1021C>T, p.Leu341= (NM_001164279.2); c.1240C>T, p.Leu414= (NM_001164280.2, NM_001467.6); c.1240C>T (NM_001467.5).
Identifiers: ClinVar variation 288044 (VCV000288044.21), dbSNP rs200703321, ClinGen allele CA6311588.